The following is an entry in ClinVar:

ClinVar aggregate classification (germline): Likely benign (1 of 4 stars; one submission).

Conditions:
Familial cancer of breast. Also called: BREAST CANCER, FAMILIAL; Hereditary breast cancer; hereditary breast carcinoma. Identifiers: Orphanet 227535, MedGen C0346153, MONDO:0016419, OMIM 114480. Disease mechanism: loss of function.

Submission:

Myriad Genetics, Inc.
Classification: Likely benign for Familial cancer of breast. Last evaluated: 2024-05-14. Review status: criteria provided, single submitter. Criteria: Myriad Autosomal Dominant, Autosomal Recessive and X-Linked Classification Criteria (2023). Collection method: clinical testing. Allele origin: unknown.
Comment: This variant is considered likely benign. This variant is intronic and is not expected to impact mRNA splicing.

NM_000051.4(ATM):c.3285-8_3285-7insCTG

Gene: ATM (ATM serine/threonine kinase; plus strand). Cytogenetic location: 11q22.3.
Variant type: Insertion.
Coding change: c.3285-8_3285-7insCTG on transcript NM_000051.4 (MANE Select); 8 bases into the intron before coding-DNA position 3285 through 7 bases into the intron before coding-DNA position 3285, CTG inserted.
Molecular consequence: intron variant.
Genome position: GRCh38 VCF-style: chr11-108279481-T-TTGC. GRCh37 (hg19) VCF-style: chr11-108150208-T-TTGC.
Other names: c.3285-8_3285-7insCTG (NM_001351834.2).
Identifiers: ClinVar variation 3254277 (VCV003254277.1), dbSNP rs2546861401.
Genomic context (GRCh38, chr11:108,279,481, plus strand): 5'-TTGGAAAGTAGGGTTTGAAATTAGAAAATTATTTCACTTTTTGTTTGTTTGTTTGCTTGC[T>TTGC]TGTTTTAAGATTGTTCCAGGACACGAAGGGAGATTCTTCCAGGTTACTGAAAGCACTTCC-3'